The following is an entry in ClinVar:

ClinVar aggregate classification (germline): Pathogenic/Likely pathogenic. Review status: criteria provided, multiple submitters, no conflicts (2 of 4 stars). 3 submissions from 3 submitters: Pathogenic (1); Likely pathogenic (2). Last evaluated 2025-12-09.

Conditions:
Autosomal recessive nonsyndromic hearing loss 7. Also called: DEAFNESS, AUTOSOMAL RECESSIVE 11. Identifiers: Orphanet 90636, MedGen C1832978, MONDO:0010967, OMIM 600974.

gnomAD v4.1: 1 of 1,610,876 alleles (0.000062%); highest among the groups gnomAD compares: Non-Finnish European, 0.000085%; no homozygotes.

Submissions (3):

Genetics Research Center, University of Social Welfare and Rehabilitation Sciences
Classification: Likely pathogenic for Autosomal recessive nonsyndromic hearing loss 7. Last evaluated: 2025-12-09. Review status: criteria provided, single submitter. Criteria: ACMG Guidelines, 2015. Collection method: research. Allele origin: germline. Affected: yes.
Comment: The variant is present at a very low frequency in the gnomAD v2.1.1 dataset (allele frequency: 0.0001%). previous studies have reported its association with TMC1-related disorders (PMID: 19187973, 11850618, 22105175, 21117948). It has also been observed to segregate with disease in related individuals. RNA splicing prediction tools suggest that this variant may cause an aberrant splice site.

Labcorp Genetics (formerly Invitae), Labcorp
Classification: Pathogenic. Last evaluated: 2023-08-11. Review status: criteria provided, single submitter. Criteria: Invitae Variant Classification Sherloc (09022015). Collection method: clinical testing. Allele origin: germline.
Comment: For these reasons, this variant has been classified as Pathogenic. Disruption of this splice site has been observed in individual(s) with autosomal recessive deafness (PMID: 19187973, 21117948). It has also been observed to segregate with disease in related individuals. ClinVar contains an entry for this variant (Variation ID: 2499514). Algorithms developed to predict the effect of sequence changes on RNA splicing suggest that this variant may disrupt the consensus splice site. This sequence change affects a donor splice site in intron 6 of the TMC1 gene. It is expected to disrupt RNA splicing. Variants that disrupt the donor or acceptor splice site typically lead to a loss of protein function (PMID: 16199547), and loss-of-function variants in TMC1 are known to be pathogenic (PMID: 11850618, 22105175). This variant is not present in population databases (gnomAD no frequency).

Payam Genetics Center, General Welfare Department of North Khorasan Province
Classification: Likely pathogenic for Autosomal recessive nonsyndromic hearing loss 7. Last evaluated: 2023-03-01. Review status: criteria provided, single submitter. Criteria: ACMG Guidelines, 2015. Collection method: clinical testing. Allele origin: germline. Affected: no. Observed: 1 variant allele.
Comment: The mutation TMC1 c.64+2T>A results in a truncation or nonfuntional of the encoded protein, which is commonly known mechanisms for disease. This variant is not present in population databases (ExAC no frequency) and was not found in 1000G, Genom AD exome, genome and Iranom. This variant has not been reported in the literature in individuals affected with TMC1-related conditions . The TMC1 gene is associated whit autosomal recessive deafness.

Literature cited by the submitters: PubMed 19187973 (cited by Genetics Research Center, University of Social Welfare and Rehabilitation Sciences and Labcorp Genetics (formerly Invitae), Labcorp); PubMed 11850618 (cited by Genetics Research Center, University of Social Welfare and Rehabilitation Sciences and Labcorp Genetics (formerly Invitae), Labcorp); PubMed 22105175 (cited by Genetics Research Center, University of Social Welfare and Rehabilitation Sciences and Labcorp Genetics (formerly Invitae), Labcorp); PubMed 21117948 (cited by Genetics Research Center, University of Social Welfare and Rehabilitation Sciences and Labcorp Genetics (formerly Invitae), Labcorp); PubMed 16199547 (cited by Labcorp Genetics (formerly Invitae), Labcorp).

NM_138691.3(TMC1):c.64+2T>A

Gene: TMC1 (transmembrane channel like 1; plus strand). Cytogenetic location: 9q21.13.
Variant type: single nucleotide variant.
Coding change: c.64+2T>A on transcript NM_138691.3 (MANE Select); the canonical splice donor site of the intron after coding-DNA position 64, T replaced by A.
Molecular consequence: splice donor variant.
Genome position (GRCh38, 1-based): chr9:72,688,758, T>A. VCF-style: chr9-72688758-T-A. GRCh37 (hg19) VCF-style: chr9-75303674-T-A.
Identifiers: ClinVar variation 2499514 (VCV002499514.6), dbSNP rs1300268466, ClinGen allele CA373723332.